The following is an entry in ClinVar:

NM_198578.4(LRRK2):c.4165G>A (p.Val1389Ile)

Gene: LRRK2 (leucine rich repeat kinase 2; plus strand). Cytogenetic location: 12q12.
Variant type: single nucleotide variant.
Coding change: c.4165G>A on transcript NM_198578.4 (MANE Select); coding-DNA position 4165, G replaced by A.
Protein change: p.Val1389Ile; replaces valine 1389 with isoleucine.
Molecular consequence: missense variant.
Genome position (GRCh38, 1-based): chr12:40,308,672, G>A. VCF-style: chr12-40308672-G-A. GRCh37 (hg19) VCF-style: chr12-40702474-G-A.
Other names: short protein forms V1389I.
Identifiers: ClinVar variation 881230 (VCV000881230.39), dbSNP rs140743795, ClinGen allele CA6514089.

ClinVar aggregate classification (germline): Uncertain significance. Review status: criteria provided, multiple submitters, no conflicts (2 of 4 stars). 3 submissions from 3 submitters: Uncertain significance (3). Last evaluated 2023-01-01.

Conditions:
Autosomal dominant Parkinson disease 8. Also called: LRRK2-Related Parkinson Disease; Parkinson disease 8; Parkinson disease 8, susceptibility to. Identifiers: Orphanet 411602, MedGen C1846862, MONDO:0011764, OMIM 607060.

Allele frequency attached by ClinVar (database versions not stated): TOPMed 0.00007; gnomAD 0.00011 and 0.00013; gnomAD exomes 0.00011 and 0.00014; ExAC 0.00018; ESP Exome Variant Server 0.00023.
gnomAD v4.1: 182 of 1,613,646 alleles (0.011%); highest among the groups gnomAD compares: Non-Finnish European, 0.013%; no homozygotes.

Submissions (3):

CeGaT Center for Human Genetics Tuebingen
Classification: Uncertain significance. Last evaluated: 2023-01-01. Review status: criteria provided, single submitter. Criteria: CeGaT Center For Human Genetics Tuebingen Variant Classification Criteria Version 2. Collection method: clinical testing. Allele origin: germline. Affected: yes. Observed: 1 variant allele.
Comment: LRRK2: PM2:Supporting, BP4

Labcorp Genetics (formerly Invitae), Labcorp
Classification: Uncertain significance for Autosomal dominant Parkinson disease 8. Last evaluated: 2021-09-08. Review status: criteria provided, single submitter. Criteria: Invitae Variant Classification Sherloc (09022015). Collection method: clinical testing. Allele origin: germline.
Comment: This sequence change replaces valine with isoleucine at codon 1389 of the LRRK2 protein (p.Val1389Ile). The valine residue is weakly conserved and there is a small physicochemical difference between valine and isoleucine. This variant is present in population databases (rs140743795, ExAC 0.03%), and has an allele count higher than expected for a pathogenic variant (PMID: 28166811). This variant has been observed in individual(s) with Parkinson disease (PMID: 27094865). ClinVar contains an entry for this variant (Variation ID: 881230). Algorithms developed to predict the effect of missense changes on protein structure and function output the following: SIFT: "Tolerated"; PolyPhen-2: "Benign"; Align-GVGD: "Class C0". The isoleucine amino acid residue is found in multiple mammalian species, which suggests that this missense change does not adversely affect protein function. In summary, the available evidence is currently insufficient to determine the role of this variant in disease. Therefore, it has been classified as a Variant of Uncertain Significance.

Illumina Laboratory Services, Illumina
Classification: Uncertain significance for Autosomal dominant Parkinson disease 8. Last evaluated: 2017-04-28. Review status: criteria provided, single submitter. Criteria: ICSL Variant Classification Criteria 13 December 2019. Collection method: clinical testing. Allele origin: germline.
Comment: This variant was observed as part of a predisposition screen in an ostensibly healthy population. A literature search was performed for the gene, cDNA change, and amino acid change (where applicable). Publications were found based on this search. However, the evidence from the literature, in combination with allele frequency data from public databases where available, was not sufficient to rule this variant in or out of causing disease. Therefore, this variant is classified as a variant of unknown significance.

Literature cited by the submitters: PubMed 28166811 (cited by Labcorp Genetics (formerly Invitae), Labcorp); PubMed 27094865 (cited by Labcorp Genetics (formerly Invitae), Labcorp and Illumina Laboratory Services, Illumina); PubMed 22988866 (cited by Illumina Laboratory Services, Illumina).